The following is an entry in ClinVar:

ClinVar aggregate classification (germline): Likely benign (1 of 4 stars; one submission).

Submission:

GeneDx
Classification: Likely benign. Last evaluated: 2017-06-28. Review status: criteria provided, single submitter. Criteria: GeneDx Variant Classification (06012015). Collection method: clinical testing. Allele origin: germline. Affected: yes.
Comment: This variant is considered likely benign or benign based on one or more of the following criteria: it is a conservative change, it occurs at a poorly conserved position in the protein, it is predicted to be benign by multiple in silico algorithms, and/or has population frequency not consistent with disease.

NM_001271.4(CHD2):c.1998G>A (p.Glu666=)

Gene: CHD2 (chromodomain helicase DNA binding protein 2; plus strand). Cytogenetic location: 15q26.1.
Variant type: single nucleotide variant.
Coding change: c.1998G>A on transcript NM_001271.4 (MANE Select); coding-DNA position 1998, G replaced by A.
Protein change: p.Glu666=; no amino-acid change (glutamic acid 666 retained).
Molecular consequence: synonymous variant.
Genome position (GRCh38, 1-based): chr15:92,956,647, G>A. VCF-style: chr15-92956647-G-A. GRCh37 (hg19) VCF-style: chr15-93499877-G-A.
Identifiers: ClinVar variation 390744 (VCV000390744.1), dbSNP rs1057523881, ClinGen allele CA16607200.